The following is an entry in ClinVar:

NM_032638.5(GATA2):c.27_28inv (p.Trp10Gly)

Gene: GATA2 (GATA binding protein 2; minus strand). Cytogenetic location: 3q21.3.
Variant type: Inversion.
Coding change: c.27_28inv on transcript NM_032638.5 (MANE Select).
Protein change: p.Trp10Gly; replaces tryptophan 10 with glycine.
Molecular consequence: missense variant.
Genome position: GRCh38 VCF-style: chr3-128487004-AG-CT. GRCh37 (hg19) VCF-style: chr3-128205847-AG-CT.
Other names: c.27_28delCTinsAG (NM_032638.4); c.27_28inv, p.Trp10Gly (NM_001145661.2, NM_001145662.1); short protein forms W10G.
Identifiers: ClinVar variation 1896130 (VCV001896130.6), ClinGen allele CA2580068697.

ClinVar aggregate classification (germline): Uncertain significance. Review status: criteria provided, multiple submitters, no conflicts (2 of 4 stars). 2 submissions from 2 submitters: Uncertain significance (2). Last evaluated 2026-01-06.

Conditions:
Deafness-lymphedema-leukemia syndrome. Also called: Lymphedema, primary, with myelodysplasia; Emberger syndrome. Identifiers: Orphanet 3226, MedGen C3279664, MONDO:0013540, OMIM 614038.
Monocytopenia with susceptibility to infections. Also called: GATA2 DEFICIENCY; MONOCYTOPENIA AND MYCOBACTERIAL INFECTION SYNDROME; MONOCYTOPENIA WITH SUSCEPTIBILITY TO MYCOBACTERIAL, FUNGAL, AND PAPILLOMAVIRUS INFECTIONS AND MYELODYSPLASIA; COMBINED IMMUNODEFICIENCY WITH SUSCEPTIBILITY TO MYCOBACTERIAL, VIRAL, AND FUNGAL INFECTIONS; Dendritic cell, monocyte, B lymphocyte, and natural killer lymphocyte deficiency; IMMUNODEFICIENCY 21. Identifiers: Orphanet 228423, MedGen C3280030, MONDO:0013607, OMIM 614172.
Inborn genetic diseases. Identifiers: MedGen C0950123, MeSH D030342.

Submissions (2):

Ambry Genetics
Classification: Uncertain significance for Inborn genetic diseases. Last evaluated: 2026-01-06. Review status: criteria provided, single submitter. Criteria: Ambry Variant Classification Scheme 2023. Collection method: clinical testing. Allele origin: germline.
Comment: The c.27_28delCTinsAG variant, located in coding exon 1 of the GATA2 gene, results from an in-frame deletion of CT and insertion of AG at nucleotide positions 27 to 28. This results in the substitution of the tryptophan residue for a glycine residue at codon 10, an amino acid with highly dissimilar properties. This amino acid position is highly conserved in available vertebrate species. In addition, this alteration is predicted to be deleterious by in silico analysis. Based on the available evidence, the clinical significance of this variant remains unclear.

Labcorp Genetics (formerly Invitae), Labcorp
Classification: Uncertain significance for Monocytopenia with susceptibility to infections; Deafness-lymphedema-leukemia syndrome. Last evaluated: 2025-07-07. Review status: criteria provided, single submitter. Criteria: Invitae Variant Classification Sherloc (09022015). Collection method: clinical testing. Allele origin: germline.
Comment: This sequence change replaces tryptophan, which is neutral and slightly polar, with glycine, which is neutral and non-polar, at codon 10 of the GATA2 protein (p.Trp10Gly). Information on the frequency of this variant in the gnomAD database is not available, as this variant may be reported differently in the database. This variant has not been reported in the literature in individuals affected with GATA2-related conditions. ClinVar contains an entry for this variant (Variation ID: 1896130). Experimental studies and prediction algorithms are not available or were not evaluated, and the functional significance of this variant is currently unknown. In summary, the available evidence is currently insufficient to determine the role of this variant in disease. Therefore, it has been classified as a Variant of Uncertain Significance.